The following is an entry in ClinVar:

NM_001184.4(ATR):c.1021T>A (p.Leu341Met)

Gene: ATR (ATR checkpoint kinase; minus strand). Cytogenetic location: 3q23.
Variant type: single nucleotide variant.
Coding change: c.1021T>A on transcript NM_001184.4 (MANE Select); coding-DNA position 1021, T replaced by A.
Protein change: p.Leu341Met; replaces leucine 341 with methionine.
Molecular consequence: missense variant.
Genome position (GRCh38, 1-based): chr3:142,562,381, A>T on the plus strand (T>A on the coding strand, the complement: ATR is on the minus strand). VCF-style: chr3-142562381-A-T. GRCh37 (hg19) VCF-style: chr3-142281223-A-T.
Other names: c.1021T>A, p.Leu341Met (NM_001354579.2); short protein forms L341M.
Identifiers: ClinVar variation 2060514 (VCV002060514.4), dbSNP rs1361838755, ClinGen allele CA354823990.

ClinVar aggregate classification (germline): Uncertain significance (1 of 4 stars; one submission).

Allele frequency attached by ClinVar (database versions not stated): gnomAD 0.00001; gnomAD exomes 0.00001; TOPMed 0.00001.
gnomAD v4.1: 4 of 1,614,046 alleles (0.00025%); highest among the groups gnomAD compares: Non-Finnish European, 0.00034%; no homozygotes.

Submission:

Labcorp Genetics (formerly Invitae), Labcorp
Classification: Uncertain significance. Last evaluated: 2025-11-10. Review status: criteria provided, single submitter. Criteria: Invitae Variant Classification Sherloc (09022015). Collection method: clinical testing. Allele origin: germline.
Comment: This sequence change replaces leucine, which is neutral and non-polar, with methionine, which is neutral and non-polar, at codon 341 of the ATR protein (p.Leu341Met). This variant is not present in population databases (gnomAD no frequency). This variant has not been reported in the literature in individuals affected with ATR-related conditions. ClinVar contains an entry for this variant (Variation ID: 2060514). An algorithm developed to predict the effect of missense changes on protein structure and function (PolyPhen-2) suggests that this variant is likely to be tolerated. In summary, the available evidence is currently insufficient to determine the role of this variant in disease. Therefore, it has been classified as a Variant of Uncertain Significance.